The following is an entry in ClinVar:

NM_001376.5(DYNC1H1):c.11721C>A (p.His3907Gln)

Gene: DYNC1H1 (dynein cytoplasmic 1 heavy chain 1; plus strand). Cytogenetic location: 14q32.31.
Variant type: single nucleotide variant.
Coding change: c.11721C>A on transcript NM_001376.5 (MANE Select); coding-DNA position 11721, C replaced by A.
Protein change: p.His3907Gln; replaces histidine 3907 with glutamine.
Molecular consequence: missense variant.
Genome position (GRCh38, 1-based): chr14:102,040,266, C>A. VCF-style: chr14-102040266-C-A. GRCh37 (hg19) VCF-style: chr14-102506603-C-A.
Other names: short protein forms H3907Q.
Identifiers: ClinVar variation 210864 (VCV000210864.13), dbSNP rs774840535, ClinGen allele CA207106.

ClinVar aggregate classification (germline): Conflicting classifications of pathogenicity. Review status: criteria provided, conflicting classifications (1 of 4 stars). 3 submissions from 3 submitters: Uncertain significance (1); Likely benign (2). Last evaluated 2025-08-06.

Conditions:
Charcot-Marie-Tooth disease axonal type 2O. Also called: Charcot-Marie-Tooth disease, axonal, type 20; CHARCOT-MARIE-TOOTH NEUROPATHY, AXONAL, TYPE 2O; CHARCOT-MARIE-TOOTH DISEASE, AXONAL, AUTOSOMAL DOMINANT, TYPE 2O; Charcot-Marie-Tooth Neuropathy Type 2O. Identifiers: Orphanet 284232, MedGen C3280220, MONDO:0013644, OMIM 614228.

Allele frequency attached by ClinVar (database versions not stated): TOPMed 0.00001; ExAC 0.00001; gnomAD exomes 0.00001.
gnomAD v4.1: 2 of 1,614,222 alleles (0.00012%); highest among the groups gnomAD compares: Admixed American, 0.0033%; no homozygotes.

Submissions (3):

Labcorp Genetics (formerly Invitae), Labcorp
Classification: Likely benign for Charcot-Marie-Tooth disease axonal type 2O. Last evaluated: 2025-08-06. Review status: criteria provided, single submitter. Criteria: Invitae Variant Classification Sherloc (09022015). Collection method: clinical testing. Allele origin: germline.

GeneDx
Classification: Uncertain significance. Last evaluated: 2022-06-28. Review status: criteria provided, single submitter. Criteria: GeneDx Variant Classification Process June 2021. Collection method: clinical testing. Allele origin: germline. Affected: yes.
Comment: In silico analysis supports that this missense variant has a deleterious effect on protein structure/function; Has not been previously published as pathogenic or benign to our knowledge; This variant is associated with the following publications: (PMID: 25512093, 25609763, 26100331)

Genetic Services Laboratory, University of Chicago
Classification: Likely benign. Last evaluated: 2015-03-17. Review status: criteria provided, single submitter. Criteria: ACMG Guidelines, 2015. Collection method: clinical testing. Allele origin: germline.